The following is an entry in ClinVar:

NM_004104.5(FASN):c.5165A>G (p.Asn1722Ser)

Gene: FASN (fatty acid synthase; minus strand). Cytogenetic location: 17q25.3.
Variant type: single nucleotide variant.
Coding change: c.5165A>G on transcript NM_004104.5 (MANE Select); coding-DNA position 5165, A replaced by G.
Protein change: p.Asn1722Ser; replaces asparagine 1722 with serine.
Molecular consequence: missense variant.
Genome position (GRCh38, 1-based): chr17:82,083,825, T>C on the plus strand (A>G on the coding strand, the complement: FASN is on the minus strand). VCF-style: chr17-82083825-T-C. GRCh37 (hg19) VCF-style: chr17-80041701-T-C.
Other names: short protein forms N1722S.
Identifiers: ClinVar variation 1721441 (VCV001721441.5), dbSNP rs756945649, ClinGen allele CA8851801.

ClinVar aggregate classification (germline): Uncertain significance (1 of 4 stars; one submission).

Conditions:
Epileptic encephalopathy. Identifiers: MedGen C0543888, HP:0200134.

Submission:

Labcorp Genetics (formerly Invitae), Labcorp
Classification: Uncertain significance for Epileptic encephalopathy. Last evaluated: 2022-10-11. Review status: criteria provided, single submitter. Criteria: Invitae Variant Classification Sherloc (09022015). Collection method: clinical testing. Allele origin: germline.
Comment: This sequence change replaces asparagine, which is neutral and polar, with serine, which is neutral and polar, at codon 1722 of the FASN protein (p.Asn1722Ser). This variant is not present in population databases (gnomAD no frequency). This variant has not been reported in the literature in individuals affected with FASN-related conditions. In summary, the available evidence is currently insufficient to determine the role of this variant in disease. Therefore, it has been classified as a Variant of Uncertain Significance. Algorithms developed to predict the effect of missense changes on protein structure and function are either unavailable or do not agree on the potential impact of this missense change (SIFT: "Tolerated"; PolyPhen-2: "Possibly Damaging"; Align-GVGD: "Class C0").